The following is an entry in ClinVar:

ClinVar aggregate classification (germline): Likely benign (1 of 4 stars; one submission).

Conditions:
IFT56-related disorder. Also called: IFT56-related condition.

gnomAD v4.1: 3 of 1,606,914 alleles (0.00019%); highest among the groups gnomAD compares: Non-Finnish European, 0.00026%; no homozygotes.

Submission:

PreventionGenetics, part of Exact Sciences
Classification: Likely benign for IFT56-related condition. Last evaluated: 2026-02-03. Review status: criteria provided, single submitter. Criteria: ACMG Guidelines, 2015. Collection method: clinical testing. Allele origin: germline.
Comment: This variant is classified as likely benign based on ACMG/AMP sequence variant interpretation guidelines (Richards et al. 2015 PMID: 25741868, with internal and published modifications).

NM_024926.4(IFT56):c.714T>C (p.Ala238=)

Gene: IFT56 (intraflagellar transport 56; plus strand). Cytogenetic location: 7q34.
Variant type: single nucleotide variant.
Coding change: c.714T>C on transcript NM_024926.4 (MANE Select); coding-DNA position 714, T replaced by C.
Protein change: p.Ala238=; no amino-acid change (alanine 238 retained).
Molecular consequence: synonymous variant. On other transcripts: intron variant (2).
Genome position (GRCh38, 1-based): chr7:139,148,374, T>C. VCF-style: chr7-139148374-T-C. GRCh37 (hg19) VCF-style: chr7-138833120-T-C.
Other names: c.714T>C, p.Ala238= (NM_001144920.3, NM_001321740.2, NM_001321742.2); c.621T>C, p.Ala207= (NM_001144923.3); c.399T>C, p.Ala133= (NM_001287513.2); c.294T>C, p.Ala98= (NM_001318333.2); c.399+6069T>C (NM_001321741.2, NM_001287512.2).
Identifiers: ClinVar variation 4994784 (VCV004994784.1).